The following is an entry in ClinVar:

ClinVar aggregate classification (germline): Uncertain significance (1 of 4 stars; one submission).

Conditions:
EAST syndrome (SESAMES). Also called: SEIZURES, SENSORINEURAL DEAFNESS, ATAXIA, IMPAIRED INTELLECTUAL DEVELOPMENT, AND ELECTROLYTE IMBALANCE. Identifiers: Orphanet 199343, MedGen C2748572, MONDO:0013005, OMIM 612780.

gnomAD v4.1: 4 of 1,613,836 alleles (0.00025%); highest among the groups gnomAD compares: Non-Finnish European, 0.00025%; no homozygotes.

Submission:

Labcorp Genetics (formerly Invitae), Labcorp
Classification: Uncertain significance for EAST syndrome. Last evaluated: 2024-12-18. Review status: criteria provided, single submitter. Criteria: Invitae Variant Classification Sherloc (09022015). Collection method: clinical testing. Allele origin: germline.
Comment: This sequence change replaces aspartic acid, which is acidic and polar, with alanine, which is neutral and non-polar, at codon 95 of the KCNJ10 protein (p.Asp95Ala). This variant is present in population databases (no rsID available, gnomAD 0.003%). This variant has not been reported in the literature in individuals affected with KCNJ10-related conditions. Invitae Evidence Modeling of protein sequence and biophysical properties (such as structural, functional, and spatial information, amino acid conservation, physicochemical variation, residue mobility, and thermodynamic stability) indicates that this missense variant is expected to disrupt KCNJ10 protein function with a positive predictive value of 95%. In summary, the available evidence is currently insufficient to determine the role of this variant in disease. Therefore, it has been classified as a Variant of Uncertain Significance.

NM_002241.5(KCNJ10):c.284A>C (p.Asp95Ala)

Gene: KCNJ10 (potassium inwardly rectifying channel subfamily J member 10; minus strand). Cytogenetic location: 1q23.2.
Variant type: single nucleotide variant.
Coding change: c.284A>C on transcript NM_002241.5 (MANE Select); coding-DNA position 284, A replaced by C.
Protein change: p.Asp95Ala; replaces aspartic acid 95 with alanine.
Molecular consequence: missense variant.
Genome position (GRCh38, 1-based): chr1:160,042,249, T>G on the plus strand (A>C on the coding strand, the complement: KCNJ10 is on the minus strand). VCF-style: chr1-160042249-T-G. GRCh37 (hg19) VCF-style: chr1-160012039-T-G.
Other names: short protein forms D95A.
Identifiers: ClinVar variation 3679745 (VCV003679745.2).